The following is an entry in ClinVar:

NM_000237.3(LPL):c.1189del (p.Glu396_Val397insTer)

Gene: LPL (lipoprotein lipase; plus strand). Cytogenetic location: 8p21.3.
Variant type: Deletion.
Coding change: c.1189del on transcript NM_000237.3 (MANE Select); coding-DNA position 1189, one base deleted (G; older notation c.1189delG).
Protein change: p.Glu396_Val397insTer.
Molecular consequence: nonsense.
Genome position (GRCh38, 1-based): chr8:19,960,950, G deleted; the last of 2 consecutive G bases (chr8:19,960,949-19,960,950); deleting either gives the same sequence. VCF-style (leftmost placement, unchanged base first): chr8-19960948-AG-A. GRCh37 (hg19) VCF-style: chr8-19818459-AG-A.
Identifiers: ClinVar variation 4526506 (VCV004526506.1).

ClinVar aggregate classification (germline): Likely pathogenic (1 of 4 stars; one submission).

Conditions:
Hyperlipidemia, familial combined, LPL related (FCHL3). Also called: Hyperapobetalipoproteinemia. Identifiers: MedGen C0020474, MONDO:0007759, OMIM 144250, HP:0008158.

Submission:

MVZ Medizinische Genetik Mainz
Classification: Likely pathogenic for Hyperlipidemia, familial combined, LPL related. Last evaluated: 2025-10-01. Review status: criteria provided, single submitter. Criteria: UK Practice Guidelines For Variant Classification V4 01 2020. Collection method: clinical testing. Allele origin: germline. Inheritance: Autosomal dominant inheritance. Affected: yes. Observed: 1 variant allele.
Comment: ACMG Criteria: PVS1,PM2_SUP